The following is an entry in ClinVar:

ClinVar aggregate classification (germline): Likely pathogenic (1 of 4 stars; one submission).

Conditions:
Cardiac anomalies - developmental delay - facial dysmorphism syndrome (MRFACD). Also called: Impaired intellectual development and distinctive facial features with or without cardiac defects; MED13L Syndrome. Identifiers: Orphanet 369891, MedGen C5192431, MONDO:0014773, OMIM 616789.

Submission:

3billion
Classification: Likely pathogenic for Cardiac anomalies - developmental delay - facial dysmorphism syndrome. Last evaluated: 2025-08-28. Review status: criteria provided, single submitter. Criteria: ACMG Guidelines, 2015. Collection method: clinical testing. Allele origin: germline. Affected: yes.
Comment: The variant is not observed in the gnomAD v4.1.0 dataset. Predicted Consequence/Location: Frameshift: predicted to result in a loss or disruption of normal protein function through nonsense-mediated decay (NMD) or protein truncation. Multiple pathogenic variants are reported downstream of the variant. Therefore, this variant is classified as Likely pathogenic according to the recommendation of ACMG/AMP guideline.

NM_015335.5(MED13L):c.131_132dup (p.Pro45fs)

Gene: MED13L (mediator complex subunit 13L; minus strand). Cytogenetic location: 12q24.21.
Variant type: Duplication.
Coding change: c.131_132dup on transcript NM_015335.5 (MANE Select); coding-DNA positions 131 to 132, 2 bases duplicated (GA; older notation c.131_132dupGA).
Protein change: p.Pro45fs; shifts the reading frame from proline 45.
Molecular consequence: frameshift variant.
Genome position (GRCh38, 1-based): chr12:116,237,646-116,237,647, TC duplicated on the plus strand (GA on the coding strand, the reverse complement: MED13L is on the minus strand). VCF-style (leftmost placement, unchanged base first): chr12-116237645-G-GTC. GRCh37 (hg19) VCF-style: chr12-116675450-G-GTC.
Other names: short protein forms P45fs.
Identifiers: ClinVar variation 4856334 (VCV004856334.1).